The following is an entry in ClinVar:

ClinVar aggregate classification (germline): Uncertain significance (1 of 4 stars; one submission).

Conditions:
TUB-related disorder. Also called: TUB-related condition.

Submission:

PreventionGenetics, part of Exact Sciences
Classification: Uncertain significance for TUB-related condition. Last evaluated: 2026-03-11. Review status: criteria provided, single submitter. Criteria: ACMG Guidelines, 2015. Collection method: clinical testing. Allele origin: germline.
Comment: The TUB c.1514C>A variant is predicted to result in the amino acid substitution p.Ala505Asp. To our knowledge, this variant has not been reported in the literature or in a large population database (gnomAD), indicating this variant is rare. At this time, the clinical significance of this variant is uncertain due to the absence of conclusive functional and genetic evidence.

NM_177972.3(TUB):c.1349C>A (p.Ala450Asp)

Genes: RIC3 (RIC3 acetylcholine receptor chaperone; minus strand), TUB (TUB bipartite transcription factor; plus strand). Cytogenetic location: 11p15.4.
Variant type: single nucleotide variant.
Coding change: c.1349C>A on transcript NM_177972.3 (MANE Select); coding-DNA position 1349, C replaced by A.
Protein change: p.Ala450Asp; replaces alanine 450 with aspartic acid.
Molecular consequence: missense variant.
Genome position (GRCh38, 1-based): chr11:8,100,959, C>A. VCF-style: chr11-8100959-C-A. GRCh37 (hg19) VCF-style: chr11-8122506-C-A.
Other names: c.1367C>A, p.Ala456Asp (NM_001440538.1, NM_001440539.1); c.1199C>A, p.Ala400Asp (NM_001440540.1, NM_001440542.1); c.1181C>A, p.Ala394Asp (NM_001440541.1); c.1514C>A, p.Ala505Asp (NM_003320.5); short protein forms A456D, A400D, A394D, A505D, A450D.
Identifiers: ClinVar variation 4994177 (VCV004994177.1).
Genomic context (GRCh38, chr11:8,100,959, plus strand): 5'-CTGTCTGGAATGATGACACACAGTCCTATGTACTCAACTTCCATGGGCGCGTCACACAGG[C>A]CTCCGTGAAGAACTTCCAGATCATCCATGGCAATGACCGTGAGTGTTTCTGTCCCTACTC-3'
Protein context (NP_813977.1, residues 440-460): VLNFHGRVTQ[Ala450Asp]SVKNFQIIHG